The following is an entry in ClinVar:

NM_030665.4(RAI1):c.532C>T (p.Pro178Ser)

Gene: RAI1 (retinoic acid induced 1; plus strand). Cytogenetic location: 17p11.2.
Variant type: single nucleotide variant.
Coding change: c.532C>T on transcript NM_030665.4 (MANE Select); coding-DNA position 532, C replaced by T.
Protein change: p.Pro178Ser; replaces proline 178 with serine.
Molecular consequence: missense variant.
Genome position (GRCh38, 1-based): chr17:17,793,480, C>T. VCF-style: chr17-17793480-C-T. GRCh37 (hg19) VCF-style: chr17-17696794-C-T.
Other names: short protein forms P178S.
Identifiers: ClinVar variation 3346500 (VCV003346500.1).

ClinVar aggregate classification (germline): Uncertain significance (0 of 4 stars; one submission).

Conditions:
RAI1-related disorder. Also called: RAI1-related condition.

Submission:

PreventionGenetics, part of Exact Sciences
Classification: Uncertain significance for RAI1-related condition. Last evaluated: 2024-08-23. Review status: no assertion criteria provided. Collection method: clinical testing. Allele origin: germline.
Comment: The RAI1 c.532C>T variant is predicted to result in the amino acid substitution p.Pro178Ser. To our knowledge, this variant has not been reported in the literature or in a large population database, indicating this variant is rare. At this time, the clinical significance of this variant is uncertain due to the absence of conclusive functional and genetic evidence.